The following is an entry in ClinVar:

NM_006451.5(PAIP1):c.9C>T (p.Asp3=)

Genes: PAIP1 (poly(A) binding protein interacting protein 1; minus strand), LOC129993869 (ATAC-STARR-seq lymphoblastoid silent region 15995; plus strand). Cytogenetic location: 5p12.
Variant type: single nucleotide variant.
Coding change: c.9C>T on transcript NM_006451.5 (MANE Select); coding-DNA position 9, C replaced by T.
Protein change: p.Asp3=; no amino-acid change (aspartic acid 3 retained).
Molecular consequence: synonymous variant. On other transcripts: intron variant (1).
Genome position (GRCh38, 1-based): chr5:43,556,838, G>A on the plus strand (C>T on the coding strand, the complement: PAIP1 is on the minus strand). VCF-style: chr5-43556838-G-A. GRCh37 (hg19) VCF-style: chr5-43556940-G-A.
Other names: c.9C>T, p.Asp3= (NM_182789.4); c.-72+502C>T (NM_183323.3).
Identifiers: ClinVar variation 3771747 (VCV003771747.13).

ClinVar aggregate classification (germline): Likely benign (1 of 4 stars; one submission).

gnomAD v4.1: 8 of 1,443,244 alleles (0.00055%); highest among the groups gnomAD compares: Middle Eastern, 0.021%; no homozygotes.

Submission:

CeGaT Center for Human Genetics Tuebingen
Classification: Likely benign. Last evaluated: 2025-02-01. Review status: criteria provided, single submitter. Criteria: CeGaT Center For Human Genetics Tuebingen Variant Classification Criteria Version 2. Collection method: clinical testing. Allele origin: germline. Affected: yes. Observed: 1 variant allele.
Comment: PAIP1: BP4, BP7